The following is an entry in ClinVar:

ClinVar aggregate classification (germline): Uncertain significance (1 of 4 stars; one submission).

Conditions:
SMG1-related condition.

gnomAD v4.1: 1 of 1,609,668 alleles (0.000062%); highest among the groups gnomAD compares: Non-Finnish European, 0.000085%; no homozygotes.

Submission:

PreventionGenetics, part of Exact Sciences
Classification: Uncertain significance for SMG1-related condition. Last evaluated: 2025-06-04. Review status: criteria provided, single submitter. Criteria: ACMG Guidelines, 2015. Collection method: clinical testing. Allele origin: germline.
Comment: The SMG1 c.5273A>G variant is predicted to result in the amino acid substitution p.Asn1758Ser. To our knowledge, this variant has not been reported in the literature or in a large population database (gnomAD), indicating this variant is rare. At this time, the clinical significance of this variant is uncertain due to the absence of conclusive functional and genetic evidence.

NM_015092.5(SMG1):c.5273A>G (p.Asn1758Ser)

Gene: SMG1 (SMG1 nonsense mediated mRNA decay associated PI3K related kinase; minus strand). Cytogenetic location: 16p12.3.
Variant type: single nucleotide variant.
Coding change: c.5273A>G on transcript NM_015092.5 (MANE Select); coding-DNA position 5273, A replaced by G.
Protein change: p.Asn1758Ser; replaces asparagine 1758 with serine.
Molecular consequence: missense variant.
Genome position (GRCh38, 1-based): chr16:18,850,247, T>C on the plus strand (A>G on the coding strand, the complement: SMG1 is on the minus strand). VCF-style: chr16-18850247-T-C. GRCh37 (hg19) VCF-style: chr16-18861569-T-C.
Other names: short protein forms N1758S.
Identifiers: ClinVar variation 5001396 (VCV005001396.1).